The following is an entry in ClinVar:

NM_005228.5(EGFR):c.373T>C (p.Tyr125His)

Gene: EGFR (epidermal growth factor receptor; plus strand). Cytogenetic location: 7p11.2.
Variant type: single nucleotide variant.
Coding change: c.373T>C on transcript NM_005228.5 (MANE Select); coding-DNA position 373, T replaced by C.
Protein change: p.Tyr125His; replaces tyrosine 125 with histidine.
Molecular consequence: missense variant. On other transcripts: intron variant (1).
Genome position (GRCh38, 1-based): chr7:55,143,437, T>C. VCF-style: chr7-55143437-T-C. GRCh37 (hg19) VCF-style: chr7-55211130-T-C.
Other names: c.373T>C, p.Tyr125His (NM_001346897.2, NM_001346898.2, NM_001346899.2 and 3 more transcripts); c.214T>C, p.Tyr72His (NM_001346900.2); c.89-12393T>C (NM_001346941.2); short protein forms Y125H, Y72H.
Identifiers: ClinVar variation 4870211 (VCV004870211.1).

ClinVar aggregate classification (germline): Uncertain significance (1 of 4 stars; one submission).

Conditions:
Hereditary cancer-predisposing syndrome. Also called: Neoplastic Syndromes, Hereditary; Tumor predisposition; Hereditary Cancer Syndrome; Hereditary neoplastic syndrome. Identifiers: Orphanet 140162, MedGen C0027672, MeSH D009386, MONDO:0015356.

Submission:

Ambry Genetics
Classification: Uncertain significance for Hereditary cancer-predisposing syndrome. Last evaluated: 2026-04-22. Review status: criteria provided, single submitter. Criteria: Ambry Variant Classification Scheme 2023. Collection method: clinical testing. Allele origin: germline.
Comment: The p.Y125H variant (also known as c.373T>C), located in coding exon 3 of the EGFR gene, results from a T to C substitution at nucleotide position 373. The tyrosine at codon 125 is replaced by histidine, an amino acid with similar properties. This amino acid position is highly conserved in available vertebrate species. In addition, the in silico prediction for this alteration is inconclusive. Based on the available evidence, the clinical significance of this variant remains unclear.